The following is an entry in ClinVar:

NM_002291.3(LAMB1):c.3212A>G (p.Asn1071Ser)

Gene: LAMB1 (laminin subunit beta 1; minus strand). Cytogenetic location: 7q31.1.
Variant type: single nucleotide variant.
Coding change: c.3212A>G on transcript NM_002291.3 (MANE Select); coding-DNA position 3212, A replaced by G.
Protein change: p.Asn1071Ser; replaces asparagine 1071 with serine.
Molecular consequence: missense variant.
Genome position (GRCh38, 1-based): chr7:107,952,091, T>C on the plus strand (A>G on the coding strand, the complement: LAMB1 is on the minus strand). VCF-style: chr7-107952091-T-C. GRCh37 (hg19) VCF-style: chr7-107592536-T-C.
Other names: short protein forms N1071S.
Identifiers: ClinVar variation 2053016 (VCV002053016.4), dbSNP rs1324312104, ClinGen allele CA368862669.

ClinVar aggregate classification (germline): Uncertain significance (1 of 4 stars; one submission).

Allele frequency attached by ClinVar (database versions not stated): gnomAD exomes below 0.00001; TOPMed below 0.00001.
gnomAD v4.1: 2 of 1,614,142 alleles (0.00012%); highest among the groups gnomAD compares: Admixed American, 0.0033%; no homozygotes.

Submission:

Labcorp Genetics (formerly Invitae), Labcorp
Classification: Uncertain significance. Last evaluated: 2025-01-06. Review status: criteria provided, single submitter. Criteria: Invitae Variant Classification Sherloc (09022015). Collection method: clinical testing. Allele origin: germline.
Comment: This sequence change replaces asparagine, which is neutral and polar, with serine, which is neutral and polar, at codon 1071 of the LAMB1 protein (p.Asn1071Ser). This variant is present in population databases (no rsID available, gnomAD 0.006%). This variant has not been reported in the literature in individuals affected with LAMB1-related conditions. ClinVar contains an entry for this variant (Variation ID: 2053016). An algorithm developed to predict the effect of missense changes on protein structure and function (PolyPhen-2) suggests that this variant is likely to be tolerated. In summary, the available evidence is currently insufficient to determine the role of this variant in disease. Therefore, it has been classified as a Variant of Uncertain Significance.